The following is an entry in ClinVar:

NM_144997.7(FLCN):c.1162T>C (p.Phe388Leu)

Gene: FLCN (folliculin; minus strand). Cytogenetic location: 17p11.2.
Variant type: single nucleotide variant.
Coding change: c.1162T>C on transcript NM_144997.7 (MANE Select); coding-DNA position 1162, T replaced by C.
Protein change: p.Phe388Leu; replaces phenylalanine 388 with leucine.
Molecular consequence: missense variant.
Genome position (GRCh38, 1-based): chr17:17,217,083, A>G on the plus strand (T>C on the coding strand, the complement: FLCN is on the minus strand). VCF-style: chr17-17217083-A-G. GRCh37 (hg19) VCF-style: chr17-17120397-A-G.
Other names: c.1216T>C, p.Phe406Leu (NM_001353229.2); c.1162T>C, p.Phe388Leu (NM_001353230.2, NM_001353231.2); short protein forms F388L, F406L.
Identifiers: ClinVar variation 2000398 (VCV002000398.4), dbSNP rs2544172220, ClinGen allele CA398532145.

ClinVar aggregate classification (germline): Uncertain significance (1 of 4 stars; one submission).

Conditions:
Birt-Hogg-Dube syndrome. Also called: Birt Hogg Dubé syndrome. Identifiers: Orphanet 122, MedGen C0346010, MONDO:0800444.

Submission:

Labcorp Genetics (formerly Invitae), Labcorp
Classification: Uncertain significance for Birt-Hogg-Dube syndrome. Last evaluated: 2022-05-29. Review status: criteria provided, single submitter. Criteria: Invitae Variant Classification Sherloc (09022015). Collection method: clinical testing. Allele origin: germline.
Comment: This sequence change replaces phenylalanine, which is neutral and non-polar, with leucine, which is neutral and non-polar, at codon 388 of the FLCN protein (p.Phe388Leu). This variant is not present in population databases (gnomAD no frequency). This variant has not been reported in the literature in individuals affected with FLCN-related conditions. Algorithms developed to predict the effect of missense changes on protein structure and function (SIFT, PolyPhen-2, Align-GVGD) all suggest that this variant is likely to be tolerated. In summary, the available evidence is currently insufficient to determine the role of this variant in disease. Therefore, it has been classified as a Variant of Uncertain Significance.